The following is an entry in ClinVar:

ClinVar aggregate classification (germline): Uncertain significance. Review status: criteria provided, multiple submitters, no conflicts (2 of 4 stars). 2 submissions from 2 submitters: Uncertain significance (2). Last evaluated 2024-11-05.

Conditions:
Intellectual developmental disorder, autosomal dominant 6, with or without seizures. Also called: Intellectual disability, autosomal dominant 6; GRIN2B-related developmental delay, intellectual disability and autism spectrum disorder. Identifiers: Orphanet 589547, MedGen C3151411, MONDO:0013509, OMIM 613970.

Allele frequency attached by ClinVar (database versions not stated): gnomAD exomes below 0.00001.
gnomAD v4.1: 1 of 1,613,974 alleles (0.000062%); highest among the groups gnomAD compares: Non-Finnish European, 0.000085%; no homozygotes.

Submissions (2):

Institute of Human Genetics, University of Leipzig Medical Center
Classification: Uncertain significance for Intellectual developmental disorder, autosomal dominant 6, with or without seizures. Last evaluated: 2024-11-05. Review status: criteria provided, single submitter. Criteria: ACMG Guidelines, 2015. Collection method: clinical testing. Allele origin: unknown. Inheritance: Autosomal dominant inheritance. Affected: yes.
Comment: Criteria applied: PM1,PM2_SUP,PP2,PP3

CeGaT Center for Human Genetics Tuebingen
Classification: Uncertain significance. Last evaluated: 2021-10-01. Review status: criteria provided, single submitter. Criteria: CeGaT Center For Human Genetics Tuebingen Variant Classification Criteria Version 2. Collection method: clinical testing. Allele origin: germline. Affected: yes. Observed: 1 variant allele.

NM_000834.5(GRIN2B):c.337G>A (p.Asp113Asn)

Gene: GRIN2B (glutamate ionotropic receptor NMDA type subunit 2B; minus strand). Cytogenetic location: 12p13.1.
Variant type: single nucleotide variant.
Coding change: c.337G>A on transcript NM_000834.5 (MANE Select); coding-DNA position 337, G replaced by A.
Protein change: p.Asp113Asn; replaces aspartic acid 113 with asparagine.
Molecular consequence: missense variant.
Genome position (GRCh38, 1-based): chr12:13,865,872, C>T on the plus strand (G>A on the coding strand, the complement: GRIN2B is on the minus strand). VCF-style: chr12-13865872-C-T. GRCh37 (hg19) VCF-style: chr12-14018806-C-T.
Other names: short protein forms D113N.
Identifiers: ClinVar variation 1298538 (VCV001298538.37), dbSNP rs2136746973, ClinGen allele CA384053781.
Genomic context (GRCh38, chr12:13,865,872, plus strand): 5'-TCATAGAGGAGCCCCCGTGGATGCCCAGGATGGGGGTGAGAGTCTGTGCTGAAATGAAAT[C>T]GAGGATCTGGGCGATGGCTTCCTGGTCTGTGTCATCAGCAAACACCACCCCCTGGATCTT-3'
Protein context (NP_000825.2, residues 103-123): TDQEAIAQIL[Asp113Asn]FISAQTLTPI